The following is an entry in ClinVar:

NM_147127.5(EVC2):c.1012C>T (p.Gln338Ter)

Gene: EVC2 (EvC ciliary complex subunit 2; minus strand). Cytogenetic location: 4p16.2.
Variant type: single nucleotide variant.
Coding change: c.1012C>T on transcript NM_147127.5 (MANE Select); coding-DNA position 1012, C replaced by T.
Protein change: p.Gln338Ter; replaces glutamine 338 with a stop codon.
Molecular consequence: nonsense.
Genome position (GRCh38, 1-based): chr4:5,663,240, G>A on the plus strand (C>T on the coding strand, the complement: EVC2 is on the minus strand). VCF-style: chr4-5663240-G-A. GRCh37 (hg19) VCF-style: chr4-5664967-G-A.
Other names: c.772C>T, p.Gln258Ter (NM_001166136.2); short protein forms Q258*, Q338*.
Identifiers: ClinVar variation 1726816 (VCV001726816.2), dbSNP rs2475506558, ClinGen allele CA356142048.
Genomic context (GRCh38, chr4:5,663,240, plus strand): 5'-GGTCCTCATTCACGCCATCAGCTGAGGTGAACGGCAAGGGTTCCAGCTTGCTCTCATACT[G>A]CCAAACCTTCAGGAGAATTGCGGAAATAATAATTGATTGGGCCTTCTTGTGAATTCCACG-3'

ClinVar aggregate classification (germline): Likely pathogenic (1 of 4 stars; one submission).

Conditions:
Ellis-van Creveld syndrome (EVC). Also called: EVC-Related Ellis-van Creveld Syndrome; EVC2-Related Ellis-van Creveld Syndrome; MESOECTODERMAL DYSPLASIA; Chondroectodermal dysplasia. Identifiers: Orphanet 289, MedGen C0013903, MONDO:0009162, OMIM 225500.

Submission:

Myriad Genetics, Inc.
Classification: Likely pathogenic for Ellis-van Creveld syndrome. Last evaluated: 2022-03-31. Review status: criteria provided, single submitter. Criteria: Myriad Women's Health Autosomal Recessive and X-Linked Classification Criteria (2021). Collection method: clinical testing. Allele origin: unknown.
Comment: NM_147127.4(EVC2):c.1012C>T(Q338*) is expected to be pathogenic in the context of EVC2-related Ellis-van Creveld syndrome. This variant is predicted to lead to an abnormal or absent protein product due to the creation of a premature termination codon in EVC2, a gene where loss-of-function variants are known to be pathogenic. Please note: this variant was assessed in the context of healthy population screening.